The following is an entry in ClinVar:

ClinVar aggregate classification (germline): Uncertain significance. Review status: criteria provided, multiple submitters, no conflicts (2 of 4 stars). 2 submissions from 2 submitters: Uncertain significance (2). Last evaluated 2025-10-23.

Conditions:
Cardiovascular phenotype. Identifiers: MedGen CN230736.

Allele frequency attached by ClinVar (database versions not stated): gnomAD 0.00002; TOPMed 0.00003.
gnomAD v4.1: 5 of 1,549,370 alleles (0.00032%); highest among the groups gnomAD compares: Non-Finnish European, 0.00044%; no homozygotes.

Submissions (2):

Labcorp Genetics (formerly Invitae), Labcorp
Classification: Uncertain significance. Last evaluated: 2025-10-23. Review status: criteria provided, single submitter. Criteria: Invitae Variant Classification Sherloc (09022015). Collection method: clinical testing. Allele origin: germline.
Comment: This sequence change replaces glycine, which is neutral and non-polar, with arginine, which is basic and polar, at codon 408 of the ZNF469 protein (p.Gly408Arg). This variant is present in population databases (no rsID available, gnomAD 0.002%). This variant has not been reported in the literature in individuals affected with ZNF469-related conditions. ClinVar contains an entry for this variant (Variation ID: 1753438). An algorithm developed to predict the effect of missense changes on protein structure and function (PolyPhen-2) suggests that this variant is likely to be tolerated. In summary, the available evidence is currently insufficient to determine the role of this variant in disease. Therefore, it has been classified as a Variant of Uncertain Significance.

Ambry Genetics
Classification: Uncertain significance for Cardiovascular phenotype. Last evaluated: 2023-01-06. Review status: criteria provided, single submitter. Criteria: Ambry Variant Classification Scheme 2023. Collection method: clinical testing. Allele origin: germline.

NM_001367624.2(ZNF469):c.1222G>A (p.Gly408Arg)

Gene: ZNF469 (zinc finger protein 469; plus strand). Cytogenetic location: 16q24.2.
Variant type: single nucleotide variant.
Coding change: c.1222G>A on transcript NM_001367624.2 (MANE Select); coding-DNA position 1222, G replaced by A.
Protein change: p.Gly408Arg; replaces glycine 408 with arginine.
Molecular consequence: missense variant.
Genome position (GRCh38, 1-based): chr16:88,428,692, G>A. VCF-style: chr16-88428692-G-A. GRCh37 (hg19) VCF-style: chr16-88495100-G-A.
Other names: NM_001127464.1:c.1222G>A; short protein forms G408R.
Identifiers: ClinVar variation 1753438 (VCV001753438.3), dbSNP rs969419472, ClinGen allele CA286372521.